The following is an entry in ClinVar:

NM_002161.6(IARS1):c.587A>G (p.Gln196Arg)

Gene: IARS1 (isoleucyl-tRNA synthetase 1; minus strand). Cytogenetic location: 9q22.31.
Variant type: single nucleotide variant.
Coding change: c.587A>G on transcript NM_002161.6 (MANE Select); coding-DNA position 587, A replaced by G.
Protein change: p.Gln196Arg; replaces glutamine 196 with arginine.
Molecular consequence: missense variant. On other transcripts: non-coding transcript variant (1).
Genome position (GRCh38, 1-based): chr9:92,285,732, T>C on the plus strand (A>G on the coding strand, the complement: IARS1 is on the minus strand). VCF-style: chr9-92285732-T-C. GRCh37 (hg19) VCF-style: chr9-95048014-T-C.
Other names: c.587A>G, p.Gln196Arg (NM_001374299.1, NM_001374300.1, NM_001374301.1 and 15 more transcripts); c.650A>G, p.Gln217Arg (NM_001378569.1); c.464A>G, p.Gln155Arg (NM_001378583.1); short protein forms Q155R, Q196R, Q217R.
Identifiers: ClinVar variation 1314971 (VCV001314971.4), dbSNP rs765878063, ClinGen allele CA5122928.
Genomic context (GRCh38, chr9:92,285,732, plus strand): 5'-CTTCCACCTACAAAACTCAATGCTGAATAATGTCTCTACATTTCACGTACCTTATAATTC[T>C]GGTGTGACTCGAAGTTGGAAAGTGGAGTGTTACATGCCGTAGAGAAGGGCATGACTTTCA-3'
Protein context (NP_002152.2, residues 186-206): NTPLSNFESH[Gln196Arg]NYKDVQDPSV

ClinVar aggregate classification (germline): Uncertain significance. Review status: criteria provided, multiple submitters, no conflicts (2 of 4 stars). 2 submissions from 2 submitters: Uncertain significance (2). Last evaluated 2024-11-26.

Allele frequency attached by ClinVar (database versions not stated): gnomAD exomes below 0.00001 and 0.00001; ExAC 0.00001; TOPMed 0.00001.
gnomAD v4.1: 4 of 1,593,590 alleles (0.00025%); highest among the groups gnomAD compares: Admixed American, 0.0017%; no homozygotes.

Submissions (2):

GeneDx
Classification: Uncertain significance. Last evaluated: 2024-11-26. Review status: criteria provided, single submitter. Criteria: GeneDx Variant Classification Process June 2021. Collection method: clinical testing. Allele origin: germline. Affected: yes.
Comment: In silico analysis supports that this missense variant has a deleterious effect on protein structure/function; Has not been previously published as pathogenic or benign to our knowledge

Labcorp Genetics (formerly Invitae), Labcorp
Classification: Uncertain significance. Last evaluated: 2022-08-22. Review status: criteria provided, single submitter. Criteria: Invitae Variant Classification Sherloc (09022015). Collection method: clinical testing. Allele origin: germline.
Comment: This sequence change replaces glutamine, which is neutral and polar, with arginine, which is basic and polar, at codon 196 of the IARS protein (p.Gln196Arg). This variant is present in population databases (rs765878063, gnomAD 0.003%). This variant has not been reported in the literature in individuals affected with IARS-related conditions. ClinVar contains an entry for this variant (Variation ID: 1314971). Algorithms developed to predict the effect of missense changes on protein structure and function are either unavailable or do not agree on the potential impact of this missense change (SIFT: "Deleterious"; PolyPhen-2: "Probably Damaging"; Align-GVGD: "Class C0"). In summary, the available evidence is currently insufficient to determine the role of this variant in disease. Therefore, it has been classified as a Variant of Uncertain Significance.